The following is an entry in ClinVar:

ClinVar aggregate classification (germline): Uncertain significance. Review status: criteria provided, multiple submitters, no conflicts (2 of 4 stars). 2 submissions from 2 submitters: Uncertain significance (2). Last evaluated 2021-02-09.

Conditions:
Febrile seizures, familial, 11 (FEB11). Also called: CONVULSIONS, FAMILIAL FEBRILE, 11. Identifiers: MedGen C3280734, MONDO:0024566, OMIM 614418.
Familial temporal lobe epilepsy 5. Identifiers: MedGen C3280730, MONDO:0013741, OMIM 614417.

Allele frequency attached by ClinVar (database versions not stated): gnomAD 0.00002; gnomAD exomes 0.00003 and 0.00006; TOPMed 0.00004; ExAC 0.00003.
gnomAD v4.1: 78 of 1,417,488 alleles (0.0055%); highest among the groups gnomAD compares: Non-Finnish European, 0.0075%; no homozygotes.

Submissions (2):

Labcorp Genetics (formerly Invitae), Labcorp
Classification: Uncertain significance for Febrile seizures, familial, 11. Last evaluated: 2021-02-09. Review status: criteria provided, single submitter. Criteria: Invitae Variant Classification Sherloc (09022015). Collection method: clinical testing. Allele origin: germline.
Comment: In summary, the available evidence is currently insufficient to determine the role of this variant in disease. Therefore, it has been classified as a Variant of Uncertain Significance. Nucleotide substitutions within the consensus splice site are a relatively common cause of aberrant splicing (PMID: 17576681, 9536098). Algorithms developed to predict the effect of sequence changes on RNA splicing suggest that this variant may disrupt the consensus splice site, but this prediction has not been confirmed by published transcriptional studies. This variant has not been reported in the literature in individuals with CPA6-related disease. This variant is present in population databases (rs766728291, ExAC 0.006%). This sequence change falls in intron 5 of the CPA6 gene. It does not directly change the encoded amino acid sequence of the CPA6 protein, but it affects a nucleotide within the consensus splice site of the intron.

Fulgent Genetics
Classification: Uncertain significance for Familial temporal lobe epilepsy 5; Febrile seizures, familial, 11. Last evaluated: 2018-10-31. Review status: criteria provided, single submitter. Criteria: ACMG Guidelines, 2015. Collection method: clinical testing. Allele origin: unknown.

Literature cited by the submitters: PubMed 17576681 (cited by Labcorp Genetics (formerly Invitae), Labcorp); PubMed 9536098 (cited by Labcorp Genetics (formerly Invitae), Labcorp).

NM_020361.5(CPA6):c.534+4A>G

Gene: CPA6 (carboxypeptidase A6; minus strand). Cytogenetic location: 8q13.2.
Variant type: single nucleotide variant.
Coding change: c.534+4A>G on transcript NM_020361.5 (MANE Select); 4 bases into the intron after coding-DNA position 534, A replaced by G.
Molecular consequence: intron variant.
Genome position (GRCh38, 1-based): chr8:67,509,513, T>C on the plus strand (A>G on the coding strand, the complement: CPA6 is on the minus strand). VCF-style: chr8-67509513-T-C. GRCh37 (hg19) VCF-style: chr8-68421748-T-C.
Identifiers: ClinVar variation 539978 (VCV000539978.11), dbSNP rs766728291, ClinGen allele CA4772957.